The following is an entry in ClinVar:

NM_001079802.2(FKTN):c.*5578G>A

Gene: FKTN (fukutin; plus strand). Cytogenetic location: 9q31.2.
Variant type: single nucleotide variant.
Coding change: c.*5578G>A on transcript NM_001079802.2 (MANE Select); 5578 bases downstream of the stop codon, G replaced by A.
Molecular consequence: 3 prime UTR variant. On other transcripts: non-coding transcript variant (2).
Genome position (GRCh38, 1-based): chr9:105,640,842, G>A. VCF-style: chr9-105640842-G-A. GRCh37 (hg19) VCF-style: chr9-108403123-G-A.
Other names: c.*719G>A (NM_001198963.2); c.*5578G>A (NM_001351496.2, NM_001351497.2, NM_001351499.2 and 4 more transcripts); c.*5756G>A (NM_001351498.2).
Identifiers: ClinVar variation 364531 (VCV000364531.33), dbSNP rs41277801, ClinGen allele CA10626209.
Genomic context (GRCh38, chr9:105,640,842, plus strand): 5'-GCACCTTTGAAAAAAATAACAGGATTTTACAGCCTTCTGATGATTCATTCAAAGCATGGG[G>A]AATAGTTCATATGTTTGTTAAATGAAAATCTTATGTAGCTATTTGTGTGTCCCTCCCACT-3'

ClinVar aggregate classification (germline): Conflicting classifications of pathogenicity. Review status: criteria provided, conflicting classifications (1 of 4 stars). 4 submissions from 3 submitters: Uncertain significance (2); Benign (1); Likely benign (1). Last evaluated 2023-07-01.

Conditions:
Muscular dystrophy-dystroglycanopathy (congenital with brain and eye anomalies), type A, 4 (MDDGA4). Also called: WALKER-WARBURG SYNDROME OR MUSCLE-EYE-BRAIN DISEASE, FKTN-RELATED; Muscular dystrophy, congenital progressive, with mental retardation; Muscular dystrophy, congenital, with central nervous system involvement; Cerebromuscular dystrophy, Fukuyama type; Walker-Warburg Syndrome, Fktn-Related; Fukuyama congenital muscular dystrophy. Identifiers: Orphanet 272, Orphanet 588, Orphanet 899, MedGen C0410174, MONDO:0009678, OMIM 253800.
Dilated cardiomyopathy 1X (CMD1X). Also called: FKTN-Related Dilated Cardiomyopathy; CARDIOMYOPATHY, DILATED, WITH MILD OR NO PROXIMAL MUSCLE WEAKNESS. Identifiers: Orphanet 154, MedGen C1969024, MONDO:0012704, OMIM 611615.

Allele frequency attached by ClinVar (database versions not stated): 1000 Genomes Project 0.00379; 1000 Genomes Project 30x 0.00406; TOPMed 0.00635; gnomAD 0.00754 and 0.00776.

Submissions (4):

CeGaT Center for Human Genetics Tuebingen
Classification: Benign. Last evaluated: 2023-07-01. Review status: criteria provided, single submitter. Criteria: CeGaT Center For Human Genetics Tuebingen Variant Classification Criteria Version 2. Collection method: clinical testing. Allele origin: germline. Affected: yes. Observed: 3 variant alleles.
Comment: FKTN: BS1, BS2

GeneDx
Classification: Likely benign. Last evaluated: 2021-05-12. Review status: criteria provided, single submitter. Criteria: GeneDx Variant Classification Process June 2021. Collection method: clinical testing. Allele origin: germline. Affected: yes.

Illumina Laboratory Services, Illumina
Classification: Uncertain significance for Muscular dystrophy-dystroglycanopathy (congenital with brain and eye anomalies), type A, 4. Last evaluated: 2018-01-13. Review status: criteria provided, single submitter. Criteria: ICSL Variant Classification Criteria 13 December 2019. Collection method: clinical testing. Allele origin: germline.

Illumina Laboratory Services, Illumina
Classification: Uncertain significance for Dilated cardiomyopathy 1X. Last evaluated: 2018-01-13. Review status: criteria provided, single submitter. Criteria: ICSL Variant Classification Criteria 13 December 2019. Collection method: clinical testing. Allele origin: germline.